The following is an entry in ClinVar:

NM_001197104.2(KMT2A):c.5595C>G (p.Asn1865Lys)

Gene: KMT2A (lysine methyltransferase 2A; plus strand). Cytogenetic location: 11q23.3.
Variant type: single nucleotide variant.
Coding change: c.5595C>G on transcript NM_001197104.2 (MANE Select); coding-DNA position 5595, C replaced by G.
Protein change: p.Asn1865Lys; replaces asparagine 1865 with lysine.
Molecular consequence: missense variant.
Genome position (GRCh38, 1-based): chr11:118,496,298, C>G. VCF-style: chr11-118496298-C-G. GRCh37 (hg19) VCF-style: chr11-118367013-C-G.
Other names: c.5685C>G, p.Asn1895Lys (NM_001412597.1); c.5586C>G, p.Asn1862Lys (NM_005933.4); short protein forms N1862K, N1895K, N1865K.
Identifiers: ClinVar variation 2027059 (VCV002027059.5), dbSNP rs782296960, ClinGen allele CA382796936.

ClinVar aggregate classification (germline): Uncertain significance. Review status: criteria provided, multiple submitters, no conflicts (2 of 4 stars). 2 submissions from 2 submitters: Uncertain significance (2). Last evaluated 2025-07-31.

Conditions:
Inborn genetic diseases. Identifiers: MedGen C0950123, MeSH D030342.

gnomAD v4.1: 4 of 1,613,702 alleles (0.00025%); highest among the groups gnomAD compares: African/African-American, 0.0053%; no homozygotes.

Submissions (2):

Ambry Genetics
Classification: Uncertain significance for Inborn genetic diseases. Last evaluated: 2025-07-31. Review status: criteria provided, single submitter. Criteria: Ambry Variant Classification Scheme 2023. Collection method: clinical testing. Allele origin: germline.

Labcorp Genetics (formerly Invitae), Labcorp
Classification: Uncertain significance. Last evaluated: 2025-03-13. Review status: criteria provided, single submitter. Criteria: Invitae Variant Classification Sherloc (09022015). Collection method: clinical testing. Allele origin: germline.
Comment: This sequence change replaces asparagine, which is neutral and polar, with lysine, which is basic and polar, at codon 1865 of the KMT2A protein (p.Asn1865Lys). This variant is present in population databases (no rsID available, gnomAD 0.007%). This variant has not been reported in the literature in individuals affected with KMT2A-related conditions. ClinVar contains an entry for this variant (Variation ID: 2027059). Invitae Evidence Modeling of protein sequence and biophysical properties (such as structural, functional, and spatial information, amino acid conservation, physicochemical variation, residue mobility, and thermodynamic stability) indicates that this missense variant is not expected to disrupt KMT2A protein function with a negative predictive value of 95%. In summary, the available evidence is currently insufficient to determine the role of this variant in disease. Therefore, it has been classified as a Variant of Uncertain Significance.